The following is an entry in ClinVar:

NM_144670.6(A2ML1):c.899C>T (p.Thr300Ile)

Gene: A2ML1 (alpha-2-macroglobulin like 1; plus strand). Cytogenetic location: 12p13.31.
Variant type: single nucleotide variant.
Coding change: c.899C>T on transcript NM_144670.6 (MANE Select); coding-DNA position 899, C replaced by T.
Protein change: p.Thr300Ile; replaces threonine 300 with isoleucine.
Molecular consequence: missense variant.
Genome position (GRCh38, 1-based): chr12:8,838,379, C>T. VCF-style: chr12-8838379-C-T. GRCh37 (hg19) VCF-style: chr12-8990975-C-T.
Other names: c.899C>T (NM_144670.3); short protein forms T300I.
Identifiers: ClinVar variation 1949646 (VCV001949646.6), dbSNP rs1943355748, ClinGen allele CA383823360.

ClinVar aggregate classification (germline): Uncertain significance. Review status: criteria provided, multiple submitters, no conflicts (2 of 4 stars). 2 submissions from 2 submitters: Uncertain significance (2). Last evaluated 2025-03-24.

Allele frequency attached by ClinVar (database versions not stated): TOPMed below 0.00001.

Submissions (2):

Ambry Genetics
Classification: Uncertain significance. Last evaluated: 2025-03-24. Review status: criteria provided, single submitter. Criteria: Ambry Variant Classification Scheme 2023. Collection method: clinical testing. Allele origin: germline.

Labcorp Genetics (formerly Invitae), Labcorp
Classification: Uncertain significance. Last evaluated: 2022-02-01. Review status: criteria provided, single submitter. Criteria: Invitae Variant Classification Sherloc (09022015). Collection method: clinical testing. Allele origin: germline.
Comment: In summary, the available evidence is currently insufficient to determine the role of this variant in disease. Therefore, it has been classified as a Variant of Uncertain Significance. Algorithms developed to predict the effect of missense changes on protein structure and function (SIFT, PolyPhen-2, Align-GVGD) all suggest that this variant is likely to be tolerated. This variant has not been reported in the literature in individuals affected with A2ML1-related conditions. This variant is not present in population databases (gnomAD no frequency). This sequence change replaces threonine, which is neutral and polar, with isoleucine, which is neutral and non-polar, at codon 300 of the A2ML1 protein (p.Thr300Ile).